The following is an entry in ClinVar:

ClinVar aggregate classification (germline): Benign/Likely benign. Review status: criteria provided, multiple submitters, no conflicts (2 of 4 stars). 3 submissions from 3 submitters: Benign (2); Likely benign (1). Last evaluated 2026-03-16.

Conditions:
Myofibrillar myopathy 5. Also called: Filaminopathy (type); FILAMINOPATHY, AUTOSOMAL DOMINANT. Identifiers: Orphanet 171445, MedGen C1836050, MONDO:0012289, OMIM 609524.
Hypertrophic cardiomyopathy 26. Also called: Cardiomyopathy, familial hypertrophic, 26. Identifiers: Orphanet 75249, MedGen C4310749, MONDO:0014883, OMIM 617047.
Distal myopathy with posterior leg and anterior hand involvement. Also called: WILLIAMS DISTAL MYOPATHY. Identifiers: Orphanet 63273, MedGen C3279722, MONDO:0013550, OMIM 614065.

Allele frequency attached by ClinVar (database versions not stated): gnomAD 0.00002 and 0.00004; gnomAD exomes 0.00002 and 0.00003; ExAC 0.00003; TOPMed 0.00003.

Submissions (4):

Women's Health and Genetics/Laboratory Corporation of America, LabCorp
Classification: Benign. Last evaluated: 2026-03-16. Review status: criteria provided, single submitter. Criteria: LabCorp Variant Classification Summary - May 2015. Collection method: clinical testing. Allele origin: germline.
Comment: Variant summary: FLNC c.4710C>T alters a conserved nucleotide resulting in a synonymous change. Several computational tools predict a significant impact on normal splicing: Four predict the variant creates a 5' donor site. However, these predictions have yet to be confirmed by functional studies. The variant allele was found at a frequency of 2.4e-05 in 1613262 control chromosomes. The observed variant frequency exceeds the estimated maximal expected allele frequency for disease-causing variants in FLNC. To our knowledge, no occurrence of c.4710C>T in individuals affected with FLNC-related conditions and no experimental evidence demonstrating its impact on protein function have been reported. ClinVar contains an entry for this variant (Variation ID: 572051). Based on the evidence outlined above, the variant was classified as benign.

Labcorp Genetics (formerly Invitae), Labcorp
Classification: Benign for Distal myopathy with posterior leg and anterior hand involvement; Myofibrillar myopathy 5; Hypertrophic cardiomyopathy 26. Last evaluated: 2026-01-31. Review status: criteria provided, single submitter. Criteria: Invitae Variant Classification Sherloc (09022015). Collection method: clinical testing. Allele origin: germline.

Blueprint Genetics
Classification: Likely benign. Last evaluated: 2024-09-03. Review status: criteria provided, single submitter. Criteria: ACMG Guidelines, 2015. Collection method: clinical testing. Allele origin: germline.

Dr. Peter K. Rogan Lab, Western University
No classification provided (evidence only). Condition: Gastric cancer. Review status: no classification provided. Collection method: in vitro. Allele origin: not applicable. Functional consequence: retained intron. Not counted in ClinVar's aggregate classification.

NM_001458.5(FLNC):c.4710C>T (p.Gly1570=)

Gene: FLNC (filamin C; plus strand). Cytogenetic location: 7q32.1.
Variant type: single nucleotide variant.
Coding change: c.4710C>T on transcript NM_001458.5 (MANE Select); coding-DNA position 4710, C replaced by T.
Protein change: p.Gly1570=; no amino-acid change (glycine 1570 retained).
Molecular consequence: synonymous variant.
Genome position (GRCh38, 1-based): chr7:128,848,690, C>T. VCF-style: chr7-128848690-C-T. GRCh37 (hg19) VCF-style: chr7-128488744-C-T.
Other names: c.4710C>T, p.Gly1570= (NM_001127487.2).
Identifiers: ClinVar variation 572051 (VCV000572051.13), dbSNP rs774692750, ClinGen allele CA4475426.